The following is an entry in ClinVar:

ClinVar aggregate classification (germline): Uncertain significance (1 of 4 stars; one submission).

Conditions:
Severe combined immunodeficiency due to DNA-PKcs deficiency. Also called: IMMUNODEFICIENCY 26 WITH NEUROLOGIC ABNORMALITIES; Immunodeficiency 26 with or without neurologic abnormalities. Identifiers: Orphanet 317425, MedGen C4014833, MONDO:0014423, OMIM 615966.

Allele frequency attached by ClinVar (database versions not stated): gnomAD 0.00001; gnomAD exomes 0.00001 and 0.00002; TOPMed 0.00003; ExAC 0.00004.
gnomAD v4.1: 17 of 1,612,600 alleles (0.0011%); highest among the groups gnomAD compares: East Asian, 0.025%; 1 homozygote.

Submission:

Labcorp Genetics (formerly Invitae), Labcorp
Classification: Uncertain significance for Severe combined immunodeficiency due to DNA-PKcs deficiency. Last evaluated: 2022-07-19. Review status: criteria provided, single submitter. Criteria: Invitae Variant Classification Sherloc (09022015). Collection method: clinical testing. Allele origin: germline.
Comment: This sequence change replaces glycine, which is neutral and non-polar, with aspartic acid, which is acidic and polar, at codon 1599 of the PRKDC protein (p.Gly1599Asp). This variant is present in population databases (rs747027260, gnomAD 0.02%). This variant has not been reported in the literature in individuals affected with PRKDC-related conditions. ClinVar contains an entry for this variant (Variation ID: 1506807). Experimental studies and prediction algorithms are not available or were not evaluated, and the functional significance of this variant is currently unknown. In summary, the available evidence is currently insufficient to determine the role of this variant in disease. Therefore, it has been classified as a Variant of Uncertain Significance.

NM_006904.7(PRKDC):c.4796G>A (p.Gly1599Asp)

Gene: PRKDC (protein kinase, DNA-activated, catalytic subunit; minus strand). Cytogenetic location: 8q11.21.
Variant type: single nucleotide variant.
Coding change: c.4796G>A on transcript NM_006904.7 (MANE Select); coding-DNA position 4796, G replaced by A.
Protein change: p.Gly1599Asp; replaces glycine 1599 with aspartic acid.
Molecular consequence: missense variant.
Genome position (GRCh38, 1-based): chr8:47,882,078, C>T on the plus strand (G>A on the coding strand, the complement: PRKDC is on the minus strand). VCF-style: chr8-47882078-C-T. GRCh37 (hg19) VCF-style: chr8-48794639-C-T.
Other names: c.4796G>A, p.Gly1599Asp (NM_001081640.2); short protein forms G1599D.
Identifiers: ClinVar variation 1506807 (VCV001506807.3), dbSNP rs747027260, ClinGen allele CA4740787.
Genomic context (GRCh38, chr8:47,882,078, plus strand): 5'-GCAAGTTTCAGTCCTTGGTGTTTCTGGTTTGCTCGCTCCCTGAAGCTCTGGTCTAACATG[C>T]CGTTCAAAACGGCACTCACCTGAGACAATTTCGTTGTGAGTGAAGAAAAATTCTTAATTT-3'
Protein context (NP_008835.5, residues 1589-1609): NTKMVSAVLN[Gly1599Asp]MLDQSFRERA